The following is an entry in ClinVar:

NM_152268.4(PARS2):c.556A>G (p.Arg186Gly)

Gene: PARS2 (prolyl-tRNA synthetase 2, mitochondrial; minus strand). Cytogenetic location: 1p32.3.
Variant type: single nucleotide variant.
Coding change: c.556A>G on transcript NM_152268.4 (MANE Select); coding-DNA position 556, A replaced by G.
Protein change: p.Arg186Gly; replaces arginine 186 with glycine.
Molecular consequence: missense variant.
Genome position (GRCh38, 1-based): chr1:54,758,606, T>C on the plus strand (A>G on the coding strand, the complement: PARS2 is on the minus strand). VCF-style: chr1-54758606-T-C. GRCh37 (hg19) VCF-style: chr1-55224279-T-C.
Other names: short protein forms R186G.
Identifiers: ClinVar variation 998656 (VCV000998656.8), dbSNP rs777336137, ClinGen allele CA869456.

ClinVar aggregate classification (germline): Uncertain significance. Review status: criteria provided, multiple submitters, no conflicts (2 of 4 stars). 2 submissions from 2 submitters: Uncertain significance (2). Last evaluated 2026-01-14.

Allele frequency attached by ClinVar (database versions not stated): gnomAD exomes 0.00003 and 0.00001; gnomAD 0.00001 and 0.00002; TOPMed 0.00002; ExAC 0.00003.
gnomAD v4.1: 13 of 1,614,078 alleles (0.00081%); highest among the groups gnomAD compares: Admixed American, 0.01%; no homozygotes.

Submissions (2):

GeneDx
Classification: Uncertain significance. Last evaluated: 2026-01-14. Review status: criteria provided, single submitter. Criteria: GeneDx Variant Classification Process June 2021. Collection method: clinical testing. Allele origin: germline. Affected: yes.
Comment: In silico analysis supports that this missense variant has a deleterious effect on protein structure/function; This variant is associated with the following publications: (PMID: 38469956, 35012964)

Labcorp Genetics (formerly Invitae), Labcorp
Classification: Uncertain significance. Last evaluated: 2022-07-05. Review status: criteria provided, single submitter. Criteria: Invitae Variant Classification Sherloc (09022015). Collection method: clinical testing. Allele origin: germline.
Comment: This sequence change replaces arginine, which is basic and polar, with glycine, which is neutral and non-polar, at codon 186 of the PARS2 protein (p.Arg186Gly). This variant is present in population databases (rs777336137, gnomAD 0.02%). This variant has not been reported in the literature in individuals affected with PARS2-related conditions. ClinVar contains an entry for this variant (Variation ID: 998656). Algorithms developed to predict the effect of missense changes on protein structure and function (SIFT, PolyPhen-2, Align-GVGD) all suggest that this variant is likely to be tolerated. In summary, the available evidence is currently insufficient to determine the role of this variant in disease. Therefore, it has been classified as a Variant of Uncertain Significance.